The following is an entry in ClinVar:

NM_000051.4(ATM):c.121A>T (p.Lys41Ter)

Gene: ATM (ATM serine/threonine kinase; plus strand). Cytogenetic location: 11q22.3.
Variant type: single nucleotide variant.
Coding change: c.121A>T on transcript NM_000051.4 (MANE Select); coding-DNA position 121, A replaced by T.
Protein change: p.Lys41Ter; replaces lysine 41 with a stop codon.
Molecular consequence: nonsense.
Genome position (GRCh38, 1-based): chr11:108,227,824, A>T. VCF-style: chr11-108227824-A-T. GRCh37 (hg19) VCF-style: chr11-108098551-A-T.
Other names: c.121A>T, p.Lys41Ter (NM_001351834.2, NM_001351835.2, NM_001351836.2); short protein forms K41*.
Identifiers: ClinVar variation 2679748 (VCV002679748.2), dbSNP rs1060501672, ClinGen allele CA382519888.
Genomic context (GRCh38, chr11:108,227,824, plus strand): 5'-TTTTATTTTCAGAAAGAAGTTGAGAAATTTAAGCGCCTGATTCGAGATCCTGAAACAATT[A>T]AACATCTAGATCGGCATTCAGATTCCAAACAAGGAAAATATTTGAATTGGGATGCTGTTT-3'

ClinVar aggregate classification (germline): Pathogenic/Likely pathogenic. Review status: criteria provided, multiple submitters, no conflicts (2 of 4 stars). 2 submissions from 2 submitters: Pathogenic (1); Likely pathogenic (1). Last evaluated 2025-08-15.

Conditions:
Familial cancer of breast. Also called: hereditary breast carcinoma; BREAST CANCER, FAMILIAL; Hereditary breast cancer. Identifiers: Orphanet 227535, MedGen C0346153, MONDO:0016419, OMIM 114480. Disease mechanism: loss of function.

Submissions (2):

Myriad Genetics, Inc.
Classification: Pathogenic for Familial cancer of breast. Last evaluated: 2025-08-15. Review status: criteria provided, single submitter. Criteria: Myriad Autosomal Dominant, Autosomal Recessive and X-Linked Classification Criteria (2023). Collection method: clinical testing. Allele origin: unknown.
Comment: This variant is considered pathogenic. This variant creates a termination codon and is predicted to result in premature protein truncation.

Baylor Genetics
Classification: Likely pathogenic for Familial cancer of breast. Last evaluated: 2023-01-31. Review status: criteria provided, single submitter. Criteria: ACMG Guidelines, 2015. Collection method: clinical testing. Allele origin: unknown.